The following is an entry in ClinVar:

ClinVar aggregate classification (germline): Uncertain significance (1 of 4 stars; one submission).

Conditions:
Wilson disease (WND). Also called: Wilson's disease. Identifiers: Orphanet 905, MedGen C0019202, MONDO:0010200, OMIM 277900. Disease mechanism: loss of function.

gnomAD v4.1: 1 of 1,614,210 alleles (0.000062%); highest among the groups gnomAD compares: Non-Finnish European, 0.000085%; no homozygotes.

Submission:

Myriad Genetics, Inc.
Classification: Uncertain significance for Wilson disease. Last evaluated: 2026-01-22. Review status: criteria provided, single submitter. Criteria: Myriad Autosomal Dominant, Autosomal Recessive and X-Linked Classification Criteria (2023). Collection method: clinical testing. Allele origin: unknown.
Comment: NM_000053.3(ATP7B):c.2642G>A(G881D) is a missense variant classified as a variant of uncertain significance in the context of Wilson disease. G881D has been observed in cases with relevant disease (PMID: 35220961, 36253962). Relevant functional assessments of this variant are not available in the literature. G881D has not been observed in referenced population frequency databases. In summary, there is insufficient evidence to classify NM_000053.3(ATP7B):c.2642G>A(G881D) as pathogenic or benign. Please note: this variant was assessed in the context of healthy population screening.

Literature cited by the submitters: PubMed 35220961; PubMed 36253962.

NM_000053.4(ATP7B):c.2642G>A (p.Gly881Asp)

Gene: ATP7B (ATPase copper transporting beta; minus strand). Cytogenetic location: 13q14.3.
Variant type: single nucleotide variant.
Coding change: c.2642G>A on transcript NM_000053.4 (MANE Select); coding-DNA position 2642, G replaced by A.
Protein change: p.Gly881Asp; replaces glycine 881 with aspartic acid.
Molecular consequence: missense variant.
Genome position (GRCh38, 1-based): chr13:51,950,095, C>T on the plus strand (G>A on the coding strand, the complement: ATP7B is on the minus strand). VCF-style: chr13-51950095-C-T. GRCh37 (hg19) VCF-style: chr13-52524231-C-T.
Other names: c.2156G>A, p.Gly719Asp (NM_001005918.3, NM_001406541.1, NM_001406542.1 and 1 more transcripts); c.2309G>A, p.Gly770Asp (NM_001243182.2); c.2408G>A, p.Gly803Asp (NM_001330578.2, NM_001406527.1, NM_001406528.1 and 2 more transcripts); c.2390G>A, p.Gly797Asp (NM_001330579.2, NM_001406531.1, NM_001406532.1 and 1 more transcripts); c.2642G>A, p.Gly881Asp (NM_001406511.1, NM_001406512.1, NM_001406513.1 and 7 more transcripts); c.2609G>A, p.Gly870Asp (NM_001406514.1); c.2546G>A, p.Gly849Asp (NM_001406517.1, NM_001406518.1); c.2498G>A, p.Gly833Asp (NM_001406520.1, NM_001406521.1, NM_001406522.1 and 1 more transcripts); and 8 more; short protein forms G665D, G771D, G803D, G687D, G770D, G822D, G833D, G881D.
Identifiers: ClinVar variation 5003333 (VCV005003333.1).